The following is an entry in ClinVar:

ClinVar aggregate classification (germline): Uncertain significance (1 of 4 stars; one submission).

Allele frequency attached by ClinVar (database versions not stated): TOPMed below 0.00001; gnomAD exomes 0.00002; ExAC 0.00003; gnomAD 0.00003; ESP Exome Variant Server 0.00008.
gnomAD v4.1: 32 of 1,614,054 alleles (0.002%); highest among the groups gnomAD compares: Non-Finnish European, 0.0026%; no homozygotes.

Submission:

Labcorp Genetics (formerly Invitae), Labcorp
Classification: Uncertain significance. Last evaluated: 2023-12-04. Review status: criteria provided, single submitter. Criteria: Invitae Variant Classification Sherloc (09022015). Collection method: clinical testing. Allele origin: germline.
Comment: This sequence change replaces leucine, which is neutral and non-polar, with serine, which is neutral and polar, at codon 67 of the HMCN1 protein (p.Leu67Ser). The frequency data for this variant in the population databases is considered unreliable, as metrics indicate poor data quality at this position in the gnomAD database. This variant has not been reported in the literature in individuals affected with HMCN1-related conditions. ClinVar contains an entry for this variant (Variation ID: 2181757). An algorithm developed to predict the effect of missense changes on protein structure and function (PolyPhen-2) suggests that this variant is likely to be disruptive. In summary, the available evidence is currently insufficient to determine the role of this variant in disease. Therefore, it has been classified as a Variant of Uncertain Significance.

NM_031935.3(HMCN1):c.200T>C (p.Leu67Ser)

Gene: HMCN1 (hemicentin 1; plus strand). Cytogenetic location: 1q25.3.
Variant type: single nucleotide variant.
Coding change: c.200T>C on transcript NM_031935.3 (MANE Select); coding-DNA position 200, T replaced by C.
Protein change: p.Leu67Ser; replaces leucine 67 with serine.
Molecular consequence: missense variant.
Genome position (GRCh38, 1-based): chr1:185,734,979, T>C. VCF-style: chr1-185734979-T-C. GRCh37 (hg19) VCF-style: chr1-185704111-T-C.
Other names: short protein forms L67S.
Identifiers: ClinVar variation 2181757 (VCV002181757.4), dbSNP rs376373045, ClinGen allele CA1290757.